The following is an entry in ClinVar:

NM_005902.4(SMAD3):c.1079T>C (p.Phe360Ser)

Gene: SMAD3 (SMAD family member 3; plus strand). Cytogenetic location: 15q22.33.
Variant type: single nucleotide variant.
Coding change: c.1079T>C on transcript NM_005902.4 (MANE Select); coding-DNA position 1079, T replaced by C.
Protein change: p.Phe360Ser; replaces phenylalanine 360 with serine.
Molecular consequence: missense variant.
Genome position (GRCh38, 1-based): chr15:67,187,434, T>C. VCF-style: chr15-67187434-T-C. GRCh37 (hg19) VCF-style: chr15-67479772-T-C.
Other names: c.764T>C, p.Phe255Ser (NM_001145102.2, NM_001407016.1); c.947T>C, p.Phe316Ser (NM_001145103.2, NM_001407012.1); c.494T>C, p.Phe165Ser (NM_001145104.2, NM_001407017.1); c.1190T>C, p.Phe397Ser (NM_001407011.1); c.941T>C, p.Phe314Ser (NM_001407013.1); c.932T>C, p.Phe311Ser (NM_001407014.1); c.632T>C, p.Phe211Ser (NM_001407015.1); short protein forms F165S, F211S, F255S, F311S, F314S, F316S, F360S, F397S.
Identifiers: ClinVar variation 3895278 (VCV003895278.1).
Genomic context (GRCh38, chr15:67,187,434, plus strand): 5'-TGAAGATCTTCAACAACCAGGAGTTCGCTGCCCTCCTGGCCCAGTCGGTCAACCAGGGCT[T>C]TGAGGCTGTCTACCAGTTGACCCGAATGTGCACCATCCGCATGAGCTTCGTCAAAGGCTG-3'
Protein context (NP_005893.1, residues 350-370): ALLAQSVNQG[Phe360Ser]EAVYQLTRMC

ClinVar aggregate classification (germline): Uncertain significance (1 of 4 stars; one submission).

Conditions:
Cardiovascular phenotype. Identifiers: MedGen CN230736.

Submission:

Molecular Diagnostic Laboratory for Inherited Cardiovascular Disease, Montreal Heart Institute
Classification: Uncertain significance for Cardiovascular phenotype. Last evaluated: 2025-04-09. Review status: criteria provided, single submitter. Criteria: ACMG Guidelines, 2015. Collection method: clinical testing. Allele origin: germline. Affected: yes.
Comment: PM2;PP3